The following is an entry in ClinVar:

ClinVar aggregate classification (germline): Uncertain significance (1 of 4 stars; one submission).

Conditions:
Saldino-Mainzer syndrome (SRTD9). Also called: CONORENAL SYNDROME; Renal dysplasia, retinal pigmentary dystrophy, cerebellar ataxia and skeletal dysplasia; SHORT-RIB THORACIC DYSPLASIA 9 WITHOUT POLYDACTYLY; short-rib thoracic dysplasia 9 with or without polydactyly. Identifiers: Orphanet 140969, MedGen C1849437, MONDO:0009964, OMIM 266920.

gnomAD v4.1: 8 of 1,614,052 alleles (0.0005%); highest among the groups gnomAD compares: South Asian, 0.0088%; no homozygotes.

Submission:

Labcorp Genetics (formerly Invitae), Labcorp
Classification: Uncertain significance for Saldino-Mainzer syndrome. Last evaluated: 2025-10-16. Review status: criteria provided, single submitter. Criteria: Invitae Variant Classification Sherloc (09022015). Collection method: clinical testing. Allele origin: germline.
Comment: This sequence change replaces tyrosine, which is neutral and polar, with cysteine, which is neutral and slightly polar, at codon 495 of the IFT140 protein (p.Tyr495Cys). This variant is present in population databases (no rsID available, gnomAD 0.006%). This variant has not been reported in the literature in individuals affected with IFT140-related conditions. Invitae Evidence Modeling of protein sequence and biophysical properties (such as structural, functional, and spatial information, amino acid conservation, physicochemical variation, residue mobility, and thermodynamic stability) has been performed for this missense variant. However, the output from this modeling did not meet the statistical confidence thresholds required to predict the impact of this variant on IFT140 protein function. In summary, the available evidence is currently insufficient to determine the role of this variant in disease. Therefore, it has been classified as a Variant of Uncertain Significance.

NM_014714.4(IFT140):c.1484A>G (p.Tyr495Cys)

Genes: IFT140 (intraflagellar transport 140; minus strand), LOC105371046 (uncharacterized LOC105371046; plus strand). Cytogenetic location: 16p13.3.
Variant type: single nucleotide variant.
Coding change: c.1484A>G on transcript NM_014714.4 (MANE Select); coding-DNA position 1484, A replaced by G.
Protein change: p.Tyr495Cys; replaces tyrosine 495 with cysteine.
Molecular consequence: missense variant.
Genome position (GRCh38, 1-based): chr16:1,580,799, T>C on the plus strand (A>G on the coding strand, the complement: IFT140 is on the minus strand). VCF-style: chr16-1580799-T-C. GRCh37 (hg19) VCF-style: chr16-1630800-T-C.
Other names: short protein forms Y495C.
Identifiers: ClinVar variation 4745833 (VCV004745833.1).